The following is an entry in ClinVar:

NM_000277.3(PAH):c.632C>A (p.Pro211Gln)

Gene: PAH (phenylalanine hydroxylase; minus strand). Cytogenetic location: 12q23.2.
Variant type: single nucleotide variant.
Coding change: c.632C>A on transcript NM_000277.3 (MANE Select); coding-DNA position 632, C replaced by A.
Protein change: p.Pro211Gln; replaces proline 211 with glutamine.
Molecular consequence: missense variant.
Genome position (GRCh38, 1-based): chr12:102,855,210, G>T on the plus strand (C>A on the coding strand, the complement: PAH is on the minus strand). VCF-style: chr12-102855210-G-T. GRCh37 (hg19) VCF-style: chr12-103248988-G-T.
Other names: c.632C>A (NM_000277.1); c.632C>A, p.Pro211Gln (NM_001354304.2); short protein forms P211Q.
Identifiers: ClinVar variation 1480414 (VCV001480414.8), dbSNP rs281865443, ClinGen allele CA386296671.

ClinVar aggregate classification (germline): Likely pathogenic. Review status: criteria provided, multiple submitters, no conflicts (2 of 4 stars). 2 submissions from 2 submitters: Likely pathogenic (2). Last evaluated 2025-05-12.

Conditions:
Phenylketonuria (PKU). Also called: OLIGOPHRENIA PHENYLPYRUVICA; Phenylketonurias; Phenylketonuria (PKU); FOLLING DISEASE. Identifiers: Orphanet 716, MedGen C0031485, MONDO:0009861, OMIM 261600. Disease mechanism: loss of function.

Allele frequency attached by ClinVar (database versions not stated): gnomAD exomes 0.00001.
gnomAD v4.1: 5 of 1,614,110 alleles (0.00031%); highest among the groups gnomAD compares: South Asian, 0.0055%; no homozygotes.

Submissions (2):

Women's Health and Genetics/Laboratory Corporation of America, LabCorp
Classification: Likely pathogenic for Phenylketonuria. Last evaluated: 2025-05-12. Review status: criteria provided, single submitter. Criteria: LabCorp Variant Classification Summary - May 2015. Collection method: clinical testing. Allele origin: germline.
Comment: Variant summary: PAH c.632C>A (p.Pro211Gln) results in a non-conservative amino acid change located in the Aromatic amino acid hydroxylase, C-terminal domain (IPR019774) of the encoded protein sequence. Algorithms developed to predict the effect of missense changes on protein structure and function all suggest that this variant is likely to be disruptive. The variant allele was found at a frequency of 1.2e-05 in 251336 control chromosomes c.632C>A has been reported in the literature in at-least one allele among a cohort of families with Phenylketonuria (example, Zygulska_1994). Two different variants affecting the same codon has been classified as likely pathogenic/pathogenic by our lab (c.631C>A, p.Pro211Thr; c.632C>T, p.Pro211Leu), supporting the critical relevance of codon 211 to PAH protein function. To our knowledge, no experimental evidence demonstrating an impact on protein function has been reported. The following publications have been ascertained in the context of this evaluation (PMID: 30648773, 7866411). ClinVar contains an entry for this variant (Variation ID: 1480414). Based on the evidence outlined above, the variant was classified as likely pathogenic.

Labcorp Genetics (formerly Invitae), Labcorp
Classification: Likely pathogenic for Phenylketonuria. Last evaluated: 2021-06-30. Review status: criteria provided, single submitter. Criteria: Invitae Variant Classification Sherloc (09022015). Collection method: clinical testing. Allele origin: germline.
Comment: This variant has not been reported in the literature in individuals with PAH-related conditions. This sequence change replaces proline with glutamine at codon 211 of the PAH protein (p.Pro211Gln). The proline residue is highly conserved and there is a moderate physicochemical difference between proline and glutamine. This variant is not present in population databases (ExAC no frequency). Advanced modeling of protein sequence and biophysical properties (such as structural, functional, and spatial information, amino acid conservation, physicochemical variation, residue mobility, and thermodynamic stability) performed at Invitae indicates that this missense variant is expected to disrupt PAH protein function. This variant disrupts the p.Pro211 amino acid residue in PAH. Other variant(s) that disrupt this residue have been determined to be pathogenic (PMID: 8268925, 11708866, 23500595). This suggests that this residue is clinically significant, and that variants that disrupt this residue are likely to be disease-causing. In summary, the currently available evidence indicates that the variant is pathogenic, but additional data are needed to prove that conclusively. Therefore, this variant has been classified as Likely Pathogenic.

Literature cited by the submitters: PubMed 30648773 (cited by Women's Health and Genetics/Laboratory Corporation of America, LabCorp); PubMed 7866411 (cited by Women's Health and Genetics/Laboratory Corporation of America, LabCorp); PubMed 8268925 (cited by Labcorp Genetics (formerly Invitae), Labcorp); PubMed 11708866 (cited by Labcorp Genetics (formerly Invitae), Labcorp); PubMed 23500595 (cited by Labcorp Genetics (formerly Invitae), Labcorp).